The following is an entry in ClinVar:

ClinVar aggregate classification (germline): Uncertain significance (1 of 4 stars; one submission).

Submission:

Labcorp Genetics (formerly Invitae), Labcorp
Classification: Uncertain significance. Last evaluated: 2025-04-07. Review status: criteria provided, single submitter. Criteria: Invitae Variant Classification Sherloc (09022015). Collection method: clinical testing. Allele origin: germline.
Comment: This sequence change results in a frameshift in the RPS20 gene (p.Val112Glyfs*14). While this is not anticipated to result in nonsense mediated decay, it is expected to disrupt the last 8 amino acid(s) of the RPS20 protein and extend the protein by 5 additional amino acid residues. This variant is not present in population databases (gnomAD no frequency). This variant has not been reported in the literature in individuals affected with RPS20-related conditions. ClinVar contains an entry for this variant (Variation ID: 3638913). In summary, the available evidence is currently insufficient to determine the role of this variant in disease. Therefore, it has been classified as a Variant of Uncertain Significance.

NM_001023.4(RPS20):c.334dup (p.Val112fs)

Gene: RPS20 (ribosomal protein S20; minus strand). Cytogenetic location: 8q12.1.
Variant type: Duplication.
Coding change: c.334dup on transcript NM_001023.4 (MANE Select); coding-DNA position 334, one base duplicated (G; older notation c.334dupG).
Protein change: p.Val112fs; shifts the reading frame from valine 112.
Molecular consequence: frameshift variant. On other transcripts: splice donor variant (1).
Genome position (GRCh38, 1-based): chr8:56,073,116, C duplicated on the plus strand (G on the coding strand, the reverse complement: RPS20 is on the minus strand); the first of 2 consecutive C bases (chr8:56,073,116-56,073,117); duplicating either gives the same sequence. VCF-style (leftmost placement, unchanged base first): chr8-56073115-A-AC. GRCh37 (hg19) VCF-style: chr8-56985674-A-AC.
Other names: c.333+1dup (NM_001146227.3); short protein forms V112fs.
Identifiers: ClinVar variation 3638913 (VCV003638913.2).
Genomic context (GRCh38, chr8:56,073,115, plus strand): 5'-TAACAACTGGTCATCAATTTATTAAAATAGTTGACTTAAGCATCTGCAATGGTGACTTCC[A>AC]CCTCAACTCCTGGCTCAATACTGATGGAAGTAATCTGCTTAACAATCTCAGAAGGACTGT-3'